The following is an entry in ClinVar:

ClinVar aggregate classification (germline): Uncertain significance (1 of 4 stars; one submission).

Conditions:
Hereditary cancer-predisposing syndrome. Also called: Neoplastic Syndromes, Hereditary; Tumor predisposition; Hereditary Cancer Syndrome; Hereditary neoplastic syndrome. Identifiers: Orphanet 140162, MedGen C0027672, MeSH D009386, MONDO:0015356.

Submission:

Ambry Genetics
Classification: Uncertain significance for Hereditary cancer-predisposing syndrome. Last evaluated: 2022-10-18. Review status: criteria provided, single submitter. Criteria: Ambry Variant Classification Scheme 2023. Collection method: clinical testing. Allele origin: germline.
Comment: The p.C551W variant (also known as c.1653C>G), located in coding exon 11 of the PMS2 gene, results from a C to G substitution at nucleotide position 1653. The cysteine at codon 551 is replaced by tryptophan, an amino acid with highly dissimilar properties. This amino acid position is poorly conserved in available vertebrate species. In addition, this alteration is predicted to be tolerated by in silico analysis. Since supporting evidence is limited at this time, the clinical significance of this alteration remains unclear.

NM_000535.7(PMS2):c.1653C>G (p.Cys551Trp)

Gene: PMS2 (PMS1 homolog 2, mismatch repair system component; minus strand). Cytogenetic location: 7p22.1.
Variant type: single nucleotide variant.
Coding change: c.1653C>G on transcript NM_000535.7 (MANE Select); coding-DNA position 1653, C replaced by G.
Protein change: p.Cys551Trp; replaces cysteine 551 with tryptophan.
Molecular consequence: missense variant. On other transcripts: non-coding transcript variant (1).
Genome position (GRCh38, 1-based): chr7:5,987,112, G>C on the plus strand (C>G on the coding strand, the complement: PMS2 is on the minus strand). VCF-style: chr7-5987112-G-C. GRCh37 (hg19) VCF-style: chr7-6026743-G-C.
Other names: c.1248C>G, p.Cys416Trp (NM_001322003.2, NM_001322004.2, NM_001322005.2 and 1 more transcripts); c.1497C>G, p.Cys499Trp (NM_001322006.2); c.1335C>G, p.Cys445Trp (NM_001322007.2, NM_001322008.2); c.1092C>G, p.Cys364Trp (NM_001322010.2); c.720C>G, p.Cys240Trp (NM_001322011.2, NM_001322012.2); c.1080C>G, p.Cys360Trp (NM_001322013.2); c.1653C>G, p.Cys551Trp (NM_001322014.2); c.1344C>G, p.Cys448Trp (NM_001322015.2); short protein forms C551W, C364W, C499W, C360W, C240W, C448W, C416W, C445W.
Identifiers: ClinVar variation 231441 (VCV000231441.5), dbSNP rs876659162, ClinGen allele CA10578669.